The following is an entry in ClinVar:

ClinVar aggregate classification (germline): Uncertain significance (1 of 4 stars; one submission).

Conditions:
Ehlers-Danlos syndrome, classic type, 1 (EDSCL1). Also called: EHLERS-DANLOS SYNDROME, GRAVIS TYPE; EHLERS-DANLOS SYNDROME, SEVERE CLASSIC TYPE; Ehlers-Danlos syndrome, type 1; Ehlers-Danlos Syndrome, Classic Type, COL5A1-Related; EDS I. Identifiers: MedGen C0268335, MONDO:0019567, OMIM 130000.

gnomAD v4.1: 1 of 1,614,042 alleles (0.000062%); highest among the groups gnomAD compares: South Asian, 0.0011%; no homozygotes.

Submission:

Labcorp Genetics (formerly Invitae), Labcorp
Classification: Uncertain significance for Ehlers-Danlos syndrome, classic type, 1. Last evaluated: 2023-10-18. Review status: criteria provided, single submitter. Criteria: Invitae Variant Classification Sherloc (09022015). Collection method: clinical testing. Allele origin: germline.
Comment: This sequence change replaces glycine, which is neutral and non-polar, with arginine, which is basic and polar, at codon 951 of the COL5A2 protein (p.Gly951Arg). This variant is present in population databases (no rsID available, gnomAD 0.003%). This variant has not been reported in the literature in individuals affected with COL5A2-related conditions. Advanced modeling of protein sequence and biophysical properties (such as structural, functional, and spatial information, amino acid conservation, physicochemical variation, residue mobility, and thermodynamic stability) performed at Invitae indicates that this missense variant is expected to disrupt COL5A2 protein function. In summary, the available evidence is currently insufficient to determine the role of this variant in disease. Therefore, it has been classified as a Variant of Uncertain Significance.

NM_000393.5(COL5A2):c.2851G>A (p.Gly951Arg)

Gene: COL5A2 (collagen type V alpha 2 chain; minus strand). Cytogenetic location: 2q32.2.
Variant type: single nucleotide variant.
Coding change: c.2851G>A on transcript NM_000393.5 (MANE Select); coding-DNA position 2851, G replaced by A.
Protein change: p.Gly951Arg; replaces glycine 951 with arginine.
Molecular consequence: missense variant.
Genome position (GRCh38, 1-based): chr2:189,051,400, C>T on the plus strand (G>A on the coding strand, the complement: COL5A2 is on the minus strand). VCF-style: chr2-189051400-C-T. GRCh37 (hg19) VCF-style: chr2-189916126-C-T.
Other names: short protein forms G951R.
Identifiers: ClinVar variation 2769786 (VCV002769786.3), dbSNP rs1425213341, ClinGen allele CA349867968.